The following is an entry in ClinVar:

ClinVar aggregate classification (germline): Pathogenic (1 of 4 stars; one submission).

Submission:

Labcorp Genetics (formerly Invitae), Labcorp
Classification: Pathogenic. Last evaluated: 2023-09-01. Review status: criteria provided, single submitter. Criteria: Invitae Variant Classification Sherloc (09022015). Collection method: clinical testing. Allele origin: germline.
Comment: This variant is a gross deletion of the genomic region encompassing exon(s) 4-22 of the PHEX gene, which includes the termination codon. This deletion extends beyond the assayed region for this gene and therefore may encompass additional genes. While this deletion is not anticipated to lead to nonsense mediated decay, it is expected to alter mRNA translation or result in a truncated protein product. A similar copy number variant has been observed in individual(s) with hypophosphatemic rickets (Invitae). The region of the PHEX gene that includes exon(s) 16-22 has been determined to be clinically significant (PMID: 21902834, 22695891, 29505567). Therefore, deletions that encompass that region are likely to be disease-causing. For these reasons, this variant has been classified as Pathogenic.

Literature cited by the submitters: PubMed 21902834; PubMed 22695891; PubMed 29505567.

NC_000023.10:g.(?_22094486)_(22266301_?)del

Gene: PHEX (phosphate regulating endopeptidase X-linked; plus strand). Cytogenetic location: Xp22.11.
Variant type: Deletion.
Identifiers: ClinVar variation 1457533 (VCV001457533.6).